The following is an entry in ClinVar:

NM_144997.7(FLCN):c.385C>G (p.Leu129Val)

Gene: FLCN (folliculin; minus strand). Cytogenetic location: 17p11.2.
Variant type: single nucleotide variant.
Coding change: c.385C>G on transcript NM_144997.7 (MANE Select); coding-DNA position 385, C replaced by G.
Protein change: p.Leu129Val; replaces leucine 129 with valine.
Molecular consequence: missense variant.
Genome position (GRCh38, 1-based): chr17:17,226,187, G>C on the plus strand (C>G on the coding strand, the complement: FLCN is on the minus strand). VCF-style: chr17-17226187-G-C. GRCh37 (hg19) VCF-style: chr17-17129501-G-C.
Other names: c.385C>G, p.Leu129Val (NM_001353229.2, NM_001353230.2, NM_001353231.2 and 1 more transcripts); short protein forms L129V.
Identifiers: ClinVar variation 1720492 (VCV001720492.6), dbSNP rs1597612658, ClinGen allele CA398534697.
Genomic context (GRCh38, chr17:17,226,187, plus strand): 5'-GGAGCATGTGGGCTCCCACAGAGACAGGCTCTGTGGCCACAAGGCTCACCTCACAGCTCA[G>C]GCTCCGGACACAGGCCTGGCGGACAATGCTGAAGAGCTGGGGGTGGCTGGGGTGCTGGTG-3'
Protein context (NP_659434.2, residues 119-139): SIVRQACVRS[Leu129Val]SCEVCPGREG

ClinVar aggregate classification (germline): Uncertain significance (1 of 4 stars; one submission).

Conditions:
Birt-Hogg-Dube syndrome. Also called: Birt Hogg Dubé syndrome. Identifiers: Orphanet 122, MedGen C0346010, MONDO:0800444.

gnomAD v4.1: 1 of 1,614,106 alleles (0.000062%); no homozygotes.

Submission:

Labcorp Genetics (formerly Invitae), Labcorp
Classification: Uncertain significance for Birt-Hogg-Dube syndrome. Last evaluated: 2022-09-27. Review status: criteria provided, single submitter. Criteria: Invitae Variant Classification Sherloc (09022015). Collection method: clinical testing. Allele origin: germline.
Comment: This variant is not present in population databases (gnomAD no frequency). In summary, the available evidence is currently insufficient to determine the role of this variant in disease. Therefore, it has been classified as a Variant of Uncertain Significance. Advanced modeling of protein sequence and biophysical properties (such as structural, functional, and spatial information, amino acid conservation, physicochemical variation, residue mobility, and thermodynamic stability) performed at Invitae indicates that this missense variant is expected to disrupt FLCN protein function. This variant has not been reported in the literature in individuals affected with FLCN-related conditions. This sequence change replaces leucine, which is neutral and non-polar, with valine, which is neutral and non-polar, at codon 129 of the FLCN protein (p.Leu129Val).